The following is an entry in ClinVar:

ClinVar aggregate classification (germline): Uncertain significance (1 of 4 stars; one submission).

gnomAD v4.1: 1 of 1,611,110 alleles (0.000062%); highest among the groups gnomAD compares: African/African-American, 0.0013%; no homozygotes.

Submission:

GeneDx
Classification: Uncertain significance. Last evaluated: 2026-02-26. Review status: criteria provided, single submitter. Criteria: GeneDx Variant Classification Process June 2021. Collection method: clinical testing. Allele origin: germline.
Comment: Not observed at significant frequency in large population cohorts (gnomAD); In silico analysis supports that this missense variant has a deleterious effect on protein structure/function; Has not been previously published as pathogenic or benign to our knowledge

NM_006914.4(RORB):c.1238T>C (p.Ile413Thr)

Gene: RORB (RAR related orphan receptor B; plus strand). Cytogenetic location: 9q21.13.
Variant type: single nucleotide variant.
Coding change: c.1238T>C on transcript NM_006914.4 (MANE Select); coding-DNA position 1238, T replaced by C.
Protein change: p.Ile413Thr; replaces isoleucine 413 with threonine.
Molecular consequence: missense variant.
Genome position (GRCh38, 1-based): chr9:74,685,476, T>C. VCF-style: chr9-74685476-T-C. GRCh37 (hg19) VCF-style: chr9-77300392-T-C.
Other names: c.1271T>C, p.Ile424Thr (NM_001365023.1); short protein forms I413T, I424T.
Identifiers: ClinVar variation 5009998 (VCV005009998.1).
Genomic context (GRCh38, chr9:74,685,476, plus strand): 5'-TAATGAGCTTCCCTCTCTATCTCCCTCTCTGTCTCTCCGTTCTGCAGTTAATAGCCAAGA[T>C]ACCAACCATCACGGCAGTTTGCAACTTGCACGGGGAGAAGCTGCAGGTATTTAAGCAATC-3'
Protein context (NP_008845.2, residues 403-423): DETLAKLIAK[Ile413Thr]PTITAVCNLH